The following is an entry in ClinVar:

ClinVar aggregate classification (germline): Pathogenic/Likely pathogenic. Review status: criteria provided, multiple submitters, no conflicts (2 of 4 stars). 2 submissions from 2 submitters: Pathogenic (1); Likely pathogenic (1). Last evaluated 2023-07-24.

Conditions:
NPHP4-related disorder. Also called: NPHP4-related disorders; NPHP4-related condition. Identifiers: MedGen CN239384.
Nephronophthisis. Also called: Juvenile Nephronophthisis. Identifiers: Orphanet 655, MedGen C0687120, MONDO:0019005, HP:0000090.

Allele frequency attached by ClinVar (database versions not stated): gnomAD exomes 0.00001.
gnomAD v4.1: 7 of 1,613,584 alleles (0.00043%); highest among the groups gnomAD compares: Non-Finnish European, 0.00059%; no homozygotes.

Submissions (2):

Labcorp Genetics (formerly Invitae), Labcorp
Classification: Pathogenic for Nephronophthisis. Last evaluated: 2023-07-24. Review status: criteria provided, single submitter. Criteria: Invitae Variant Classification Sherloc (09022015). Collection method: clinical testing. Allele origin: germline.
Comment: For these reasons, this variant has been classified as Pathogenic. Algorithms developed to predict the effect of sequence changes on RNA splicing suggest that this variant may create or strengthen a splice site. ClinVar contains an entry for this variant (Variation ID: 1455063). This variant has not been reported in the literature in individuals affected with NPHP4-related conditions. This variant is not present in population databases (gnomAD no frequency). This sequence change creates a premature translational stop signal (p.Arg871*) in the NPHP4 gene. It is expected to result in an absent or disrupted protein product. Loss-of-function variants in NPHP4 are known to be pathogenic (PMID: 12205563, 23559409).

Blueprint Genetics
Classification: Likely pathogenic for NPHP4-related disorders. Last evaluated: 2020-10-02. Review status: criteria provided, single submitter. Criteria: ACMG Guidelines, 2015. Collection method: clinical testing. Allele origin: germline. Affected: yes. Observed: 2 variant alleles.

Literature cited by the submitters: PubMed 12205563 (cited by Labcorp Genetics (formerly Invitae), Labcorp); PubMed 23559409 (cited by Labcorp Genetics (formerly Invitae), Labcorp).

NM_015102.5(NPHP4):c.2611C>T (p.Arg871Ter)

Gene: NPHP4 (nephrocystin 4; minus strand). Cytogenetic location: 1p36.31.
Variant type: single nucleotide variant.
Coding change: c.2611C>T on transcript NM_015102.5 (MANE Select); coding-DNA position 2611, C replaced by T.
Protein change: p.Arg871Ter; replaces arginine 871 with a stop codon.
Molecular consequence: nonsense. On other transcripts: non-coding transcript variant (1).
Genome position (GRCh38, 1-based): chr1:5,880,114, G>A on the plus strand (C>T on the coding strand, the complement: NPHP4 is on the minus strand). VCF-style: chr1-5880114-G-A. GRCh37 (hg19) VCF-style: chr1-5940174-G-A.
Other names: c.1072C>T, p.Arg358Ter (NM_001291593.2); c.1075C>T, p.Arg359Ter (NM_001291594.2); short protein forms R358*, R359*, R871*.
Identifiers: ClinVar variation 1455063 (VCV001455063.7), dbSNP rs2100733826, ClinGen allele CA338058241.